The following is an entry in ClinVar:

ClinVar aggregate classification (germline): Uncertain significance (1 of 4 stars; one submission).

Allele frequency attached by ClinVar (database versions not stated): gnomAD exomes below 0.00001.

Submission:

Labcorp Genetics (formerly Invitae), Labcorp
Classification: Uncertain significance. Last evaluated: 2023-08-29. Review status: criteria provided, single submitter. Criteria: Invitae Variant Classification Sherloc (09022015). Collection method: clinical testing. Allele origin: germline.
Comment: In summary, the available evidence is currently insufficient to determine the role of this variant in disease. Therefore, it has been classified as a Variant of Uncertain Significance. An algorithm developed to predict the effect of missense changes on protein structure and function (PolyPhen-2) suggests that this variant is likely to be tolerated. This variant has not been reported in the literature in individuals affected with CLCN6-related conditions. This variant is not present in population databases (gnomAD no frequency). This sequence change replaces glutamic acid, which is acidic and polar, with glycine, which is neutral and non-polar, at codon 316 of the CLCN6 protein (p.Glu316Gly).

NM_001286.5(CLCN6):c.947A>G (p.Glu316Gly)

Gene: CLCN6 (chloride voltage-gated channel 6; plus strand). Cytogenetic location: 1p36.22.
Variant type: single nucleotide variant.
Coding change: c.947A>G on transcript NM_001286.5 (MANE Select); coding-DNA position 947, A replaced by G.
Protein change: p.Glu316Gly; replaces glutamic acid 316 with glycine.
Molecular consequence: missense variant. On other transcripts: non-coding transcript variant (1).
Genome position (GRCh38, 1-based): chr1:11,828,212, A>G. VCF-style: chr1-11828212-A-G. GRCh37 (hg19) VCF-style: chr1-11888269-A-G.
Other names: c.881A>G, p.Glu294Gly (NM_001256959.2); short protein forms E316G, E294G.
Identifiers: ClinVar variation 2756295 (VCV002756295.3), dbSNP rs2523126711, ClinGen allele CA338429938.